The following is an entry in ClinVar:

NM_033056.4(PCDH15):c.4902del (p.Glu1635fs)

Gene: PCDH15 (protocadherin related 15; minus strand). Cytogenetic location: 10q21.1.
Variant type: Deletion.
Coding change: c.4902del on transcript NM_033056.4 (MANE Plus Clinical); coding-DNA position 4902, one base deleted (A; older notation c.4902delA).
Protein change: p.Glu1635fs; shifts the reading frame from glutamic acid 1635.
Molecular consequence: frameshift variant. On other transcripts: intron variant (8).
Genome position (GRCh38, 1-based): chr10:53,822,824, T deleted on the plus strand (A on the coding strand, the reverse complement: PCDH15 is on the minus strand). VCF-style (leftmost placement, unchanged base first): chr10-53822823-CT-C. GRCh37 (hg19) VCF-style: chr10-55582583-CT-C.
Other names: c.4923del, p.Glu1642fs (NM_001142763.2); c.4908del, p.Glu1637fs (NM_001142764.2); c.4695del, p.Glu1566fs (NM_001142765.2); c.4893del, p.Glu1632fs (NM_001142766.2); c.4782del, p.Glu1595fs (NM_001142767.2); c.4842del, p.Glu1615fs (NM_001142768.2); c.4833del, p.Glu1612fs (NM_001142773.2); c.4836del, p.Glu1613fs (NM_001354404.2); and 6 more; short protein forms E1566fs, E1595fs, E1612fs, E1613fs, E1615fs, E1632fs, E1635fs, E1637fs.
Identifiers: ClinVar variation 1723263 (VCV001723263.5), dbSNP rs779400054, ClinGen allele CA5505169.

ClinVar aggregate classification (germline): Conflicting classifications of pathogenicity. Review status: criteria provided, conflicting classifications (1 of 4 stars). 3 submissions from 3 submitters: Uncertain significance (2); Likely benign (1). Last evaluated 2025-09-22.

Allele frequency attached by ClinVar (database versions not stated): gnomAD 0.00001; ExAC 0.00004; gnomAD exomes 0.00003.

Submissions (3):

Labcorp Genetics (formerly Invitae), Labcorp
Classification: Likely benign. Last evaluated: 2025-09-22. Review status: criteria provided, single submitter. Criteria: Invitae Variant Classification Sherloc (09022015). Collection method: clinical testing. Allele origin: germline.

Blueprint Genetics
Classification: Uncertain significance. Last evaluated: 2024-01-24. Review status: criteria provided, single submitter. Criteria: ACMG Guidelines, 2015. Collection method: clinical testing. Allele origin: germline.

Women's Health and Genetics/Laboratory Corporation of America, LabCorp
Classification: Uncertain significance. Last evaluated: 2022-10-09. Review status: criteria provided, single submitter. Criteria: LabCorp Variant Classification Summary - May 2015. Collection method: clinical testing. Allele origin: germline.
Comment: Variant summary: PCDH15 c.4902delA (p.Glu1635ArgfsX5) results in a premature termination codon, which is predicted to cause a truncation of the encoded protein. Although the variant is not predicted to cause nonsense mediated decay, the variant disrupts the last 313 amino acids in the native protein sequence. The variant allele was found at a frequency of 3.2e-05 in 251446 control chromosomes (gnomAD). The available data on variant occurrences in the general population are insufficient to allow any conclusion about variant significance. c.4902delA has been reported in the literature in a family with suspected autosomal recessive retinal dystrophy (Watson_2014) and in a carrier screening cohort (Perreault-Micale_2014) . These reports do not provide unequivocal conclusions about association of the variant with Usher Syndrome Type 1F. To our knowledge, no experimental evidence demonstrating an impact on protein function has been reported. No clinical diagnostic laboratories have submitted clinical-significance assessments for this variant to ClinVar after 2014. Based on the evidence outlined above, the variant was classified as uncertain significance.

Literature cited by the submitters: PubMed 25133751 (cited by Women's Health and Genetics/Laboratory Corporation of America, LabCorp); PubMed 25307757 (cited by Women's Health and Genetics/Laboratory Corporation of America, LabCorp).